The following is an entry in ClinVar:

NM_133510.4(RAD51B):c.84+1G>T

Gene: RAD51B (RAD51 paralog B; plus strand). Cytogenetic location: 14q24.1.
Variant type: single nucleotide variant.
Coding change: c.84+1G>T on transcript NM_133510.4 (MANE Select); the canonical splice donor site of the intron after coding-DNA position 84, G replaced by T.
Molecular consequence: splice donor variant.
Genome position (GRCh38, 1-based): chr14:67,823,628, G>T. VCF-style: chr14-67823628-G-T. GRCh37 (hg19) VCF-style: chr14-68290345-G-T.
Other names: c.84+1G>T (NM_001321818.2, NM_001321809.2, NM_001321821.2 and 6 more transcripts); c.-372+1G>T (NM_001321817.2); c.-31+1G>T (NM_001321815.1).
Identifiers: ClinVar variation 4149861 (VCV004149861.1).

ClinVar aggregate classification (germline): Uncertain significance (1 of 4 stars; one submission).

Submission:

Ambry Genetics
Classification: Uncertain significance. Last evaluated: 2025-09-12. Review status: criteria provided, single submitter. Criteria: Ambry Variant Classification Scheme 2023. Collection method: clinical testing. Allele origin: germline.
Comment: The c.84+1G>T intronic variant results from a G to T substitution one nucleotide after coding exon 1 of the RAD51B gene. This nucleotide position is highly conserved in available vertebrate species. In silico splice site analysis predicts that this alteration will weaken the native splice donor site. The evidence for this gene-disease relationship is limited; therefore, the clinical significance of this alteration is unclear.